The following is an entry in ClinVar:

ClinVar aggregate classification (germline): Likely pathogenic (1 of 4 stars; one submission).

Conditions:
Bartter disease type 2. Also called: HYPOKALEMIC ALKALOSIS WITH HYPERCALCIURIA 2, ANTENATAL; Bartter syndrome, type 2, antenatal; HYPERPROSTAGLANDIN E SYNDROME 2. Identifiers: Orphanet 112, Orphanet 620220, MedGen C1855849, MONDO:0009424, OMIM 241200.

Submission:

MVZ Medizinische Genetik Mainz
Classification: Likely pathogenic for Bartter disease type 2. Last evaluated: 2022-08-16. Review status: criteria provided, single submitter. Criteria: UK Practice Guidelines For Variant Classification V4 01 2020. Collection method: clinical testing. Allele origin: germline. Inheritance: Autosomal recessive inheritance. Affected: yes. Observed: 1 variant allele.
Comment: ACMG Criteria: PVS1_STR, PM1_SUP, PM2_SUP, PM3, PP4; Compound Heterozygote

NM_153766.3(KCNJ1):c.899_900del (p.Val300fs)

Gene: KCNJ1 (potassium inwardly rectifying channel subfamily J member 1; minus strand). Cytogenetic location: 11q24.3.
Variant type: Deletion.
Coding change: c.899_900del on transcript NM_153766.3 (MANE Select); coding-DNA positions 899 to 900, 2 bases deleted (TG; older notation c.899_900delTG).
Protein change: p.Val300fs; shifts the reading frame from valine 300.
Molecular consequence: frameshift variant.
Genome position (GRCh38, 1-based): chr11:128,839,344-128,839,345, CA deleted on the plus strand (TG on the coding strand, the reverse complement: KCNJ1 is on the minus strand); deleting any 2 consecutive bases within chr11:128,839,344-128,839,346 gives the same sequence; the c. name uses the placement nearest the transcript's 3' end. VCF-style (leftmost placement, unchanged base first): chr11-128839343-GCA-G. GRCh37 (hg19) VCF-style: chr11-128709238-GCA-G.
Other names: c.956_957del, p.Val319fs (NM_000220.6); c.899_900del, p.Val300fs (NM_153764.3, NM_153767.4); c.950_951del, p.Val317fs (NM_153765.3); short protein forms V300fs, V317fs, V319fs.
Identifiers: ClinVar variation 3068341 (VCV003068341.1), dbSNP rs2497567253, ClinGen allele CA2825002002.